The following is an entry in ClinVar:

NM_139276.3(STAT3):c.1049+3A>G

Gene: STAT3 (signal transducer and activator of transcription 3; minus strand). Cytogenetic location: 17q21.2.
Variant type: single nucleotide variant.
Coding change: c.1049+3A>G on transcript NM_139276.3 (MANE Select); 3 bases into the intron after coding-DNA position 1049, A replaced by G.
Molecular consequence: intron variant.
Genome position (GRCh38, 1-based): chr17:42,333,670, T>C on the plus strand (A>G on the coding strand, the complement: STAT3 is on the minus strand). VCF-style: chr17-42333670-T-C. GRCh37 (hg19) VCF-style: chr17-40485688-T-C.
Other names: c.1049+3A>G (NM_001369520.1, NM_001369516.1, NM_213662.2 and 15 more transcripts); c.953+3A>G (NM_001384989.1); c.971+3A>G (NM_001384985.1).
Identifiers: ClinVar variation 2941928 (VCV002941928.3), dbSNP rs747269380, ClinGen allele CA290739147.

ClinVar aggregate classification (germline): Uncertain significance (1 of 4 stars; one submission).

Conditions:
Hyper-IgE recurrent infection syndrome 1, autosomal dominant. Also called: JOB SYNDROME; Job's Syndrome; STAT3 Hyper IgE Syndrome; Hyper-IgE recurrent infection syndrome 1; HYPER-IgE SYNDROME 1, AUTOSOMAL DOMINANT, WITH RECURRENT INFECTIONS. Identifiers: Orphanet 2314, MedGen C2936739, MONDO:0007818, OMIM 147060.
STAT3 gain of function. Identifiers: MedGen C4288261.

Allele frequency attached by ClinVar (database versions not stated): gnomAD exomes below 0.00001.
gnomAD v4.1: 2 of 1,614,024 alleles (0.00012%); highest among the groups gnomAD compares: Non-Finnish European, 0.00017%; no homozygotes.

Submission:

Labcorp Genetics (formerly Invitae), Labcorp
Classification: Uncertain significance for STAT3 gain of function; Hyper-IgE recurrent infection syndrome 1, autosomal dominant. Last evaluated: 2023-01-20. Review status: criteria provided, single submitter. Criteria: Invitae Variant Classification Sherloc (09022015). Collection method: clinical testing. Allele origin: germline.
Comment: This variant has not been reported in the literature in individuals affected with STAT3-related conditions. This variant is not present in population databases (gnomAD no frequency). This sequence change falls in intron 10 of the STAT3 gene. It does not directly change the encoded amino acid sequence of the STAT3 protein. It affects a nucleotide within the consensus splice site. Variants that disrupt the consensus splice site are a relatively common cause of aberrant splicing (PMID: 17576681, 9536098). Algorithms developed to predict the effect of sequence changes on RNA splicing suggest that this variant is not likely to affect RNA splicing. In summary, the available evidence is currently insufficient to determine the role of this variant in disease. Therefore, it has been classified as a Variant of Uncertain Significance.

Literature cited by the submitters: PubMed 17576681; PubMed 9536098.